The following is an entry in ClinVar:

ClinVar aggregate classification (germline): Uncertain significance (1 of 4 stars; one submission).

Submission:

Labcorp Genetics (formerly Invitae), Labcorp
Classification: Uncertain significance. Last evaluated: 2019-11-21. Review status: criteria provided, single submitter. Criteria: Invitae Variant Classification Sherloc (09022015). Collection method: clinical testing. Allele origin: germline.
Comment: This variant results in a copy number gain of the genomic region encompassing exons 8-9 of the SMARCB1 gene. The 5' boundary is likely confined to intron 7. The 3' end of this event is unknown as it extends beyond the assayed region for this gene and therefore may encompass additional genes. As the precise location of this event is unknown, it may be in tandem or it may be located elsewhere in the genome. This variant has not been reported in the literature in individuals with SMARCB1-related conditions. Experimental studies and prediction algorithms are not available or were not evaluated for this variant, and the functional significance of the affected amino acid(s) is currently unknown. In summary, the available evidence is currently insufficient to determine the role of this variant in disease. Therefore, it has been classified as a Variant of Uncertain Significance.

NC_000022.10:g.(?_24175749)_(24176377_?)dup

Gene: SMARCB1 (SWI/SNF related BAF chromatin remodeling complex subunit B1; plus strand). Cytogenetic location: 22q11.23.
Variant type: Duplication.
Identifiers: ClinVar variation 583490 (VCV000583490.3).